The following is an entry in ClinVar:

NM_004006.3(DMD):c.803T>C (p.Leu268Ser)

Gene: DMD (dystrophin; minus strand). Cytogenetic location: Xp21.1.
Variant type: single nucleotide variant.
Coding change: c.803T>C on transcript NM_004006.3 (MANE Select); coding-DNA position 803, T replaced by C.
Protein change: p.Leu268Ser; replaces leucine 268 with serine.
Molecular consequence: missense variant.
Genome position (GRCh38, 1-based): chrX:32,699,140, A>G on the plus strand (T>C on the coding strand, the complement: DMD is on the minus strand). VCF-style: chrX-32699140-A-G. GRCh37 (hg19) VCF-style: chrX-32717257-A-G.
Other names: c.779T>C, p.Leu260Ser (NM_000109.4); c.791T>C, p.Leu264Ser (NM_004009.3); c.434T>C, p.Leu145Ser (NM_004010.3); short protein forms L264S, L268S, L145S, L260S.
Identifiers: ClinVar variation 1346075 (VCV001346075.5), dbSNP rs939491009, ClinGen allele CA328553820.

ClinVar aggregate classification (germline): Uncertain significance. Review status: criteria provided, multiple submitters, no conflicts (2 of 4 stars). 3 submissions from 3 submitters: Uncertain significance (3). Last evaluated 2023-09-05.

Conditions:
DMD-related disorder. Also called: DMD-related condition.
Becker muscular dystrophy (BMD). Also called: MUSCULAR DYSTROPHY, PSEUDOHYPERTROPHIC PROGRESSIVE, BECKER TYPE; Becker Muscular Dystrophy (BMD). Identifiers: Orphanet 98895, MedGen C0917713, MONDO:0010311, OMIM 300376.
Dilated cardiomyopathy 3B (CMD3B). Also called: CMD3B: DMD-Related Dilated Cardiomyopathy; CARDIOMYOPATHY, DILATED, X-LINKED; DMD-Associated Dilated Cardiomyopathy. Identifiers: Orphanet 154, MedGen C3668940, MONDO:0010542, OMIM 302045.
Duchenne muscular dystrophy (DMD). Also called: MUSCULAR DYSTROPHY, PSEUDOHYPERTROPHIC PROGRESSIVE, DUCHENNE TYPE; Duchenne Muscular Dystrophy (DMD). Identifiers: Orphanet 98896, MedGen C0013264, MONDO:0010679, OMIM 310200.

Allele frequency attached by ClinVar (database versions not stated): gnomAD exomes below 0.00001; TOPMed 0.00001.
gnomAD v4.1: 5 of 1,210,536 alleles (0.00041%); highest among the groups gnomAD compares: African/African-American, 0.0069%; no homozygotes.

Submissions (3):

PreventionGenetics, part of Exact Sciences
Classification: Uncertain significance for DMD-related condition. Last evaluated: 2023-09-05. Review status: criteria provided, single submitter. Criteria: ACMG Guidelines, 2015. Collection method: clinical testing. Allele origin: germline.
Comment: The DMD c.803T>C variant is predicted to result in the amino acid substitution p.Leu268Ser. To our knowledge, this variant has not been reported in the literature or in a large population database, indicating this variant is rare. A different nucleotide substitution affecting the same amino acid (p.Leu268Phe) has been reported in an individual from a Duchenne/Becker muscular dystrophy cohort (Table 2, Bai et al. 2016. PubMed ID: 27122458). At this time, the clinical significance of the c.803T>C (p.Leu268Ser) variant is uncertain due to the absence of conclusive functional and genetic evidence.

Fulgent Genetics
Classification: Uncertain significance for Becker muscular dystrophy; Dilated cardiomyopathy 3B; Duchenne muscular dystrophy. Last evaluated: 2021-08-20. Review status: criteria provided, single submitter. Criteria: ACMG Guidelines, 2015. Collection method: clinical testing. Allele origin: unknown.

Labcorp Genetics (formerly Invitae), Labcorp
Classification: Uncertain significance for Duchenne muscular dystrophy. Last evaluated: 2021-07-30. Review status: criteria provided, single submitter. Criteria: Invitae Variant Classification Sherloc (09022015). Collection method: clinical testing. Allele origin: germline.
Comment: This sequence change replaces leucine with serine at codon 268 of the DMD protein (p.Leu268Ser). The leucine residue is moderately conserved and there is a large physicochemical difference between leucine and serine. This variant is not present in population databases (ExAC no frequency). This variant has not been reported in the literature in individuals affected with DMD-related conditions. Algorithms developed to predict the effect of missense changes on protein structure and function (SIFT, PolyPhen-2, Align-GVGD) all suggest that this variant is likely to be disruptive. In summary, the available evidence is currently insufficient to determine the role of this variant in disease. Therefore, it has been classified as a Variant of Uncertain Significance.